The following is an entry in ClinVar:

NM_001606.5(ABCA2):c.275+8C>T

Gene: ABCA2 (ATP binding cassette subfamily A member 2; minus strand). Cytogenetic location: 9q34.3.
Variant type: single nucleotide variant.
Coding change: c.275+8C>T on transcript NM_001606.5 (MANE Select); 8 bases into the intron after coding-DNA position 275, C replaced by T.
Molecular consequence: intron variant.
Genome position (GRCh38, 1-based): chr9:137,022,933, G>A on the plus strand (C>T on the coding strand, the complement: ABCA2 is on the minus strand). VCF-style: chr9-137022933-G-A. GRCh37 (hg19) VCF-style: chr9-139917385-G-A.
Other names: c.365+8C>T (NM_212533.3); c.272+8C>T (NM_001411042.1).
Identifiers: ClinVar variation 2659793 (VCV002659793.25), dbSNP rs370773733, ClinGen allele CA5355904.

ClinVar aggregate classification (germline): Likely benign. Review status: criteria provided, multiple submitters, no conflicts (2 of 4 stars). 2 submissions from 2 submitters: Likely benign (2). Last evaluated 2023-04-20.

Allele frequency attached by ClinVar (database versions not stated): TOPMed 0.00003; gnomAD exomes 0.00004; gnomAD 0.00005; ExAC 0.00007; ESP Exome Variant Server 0.00008.
gnomAD v4.1: 70 of 1,564,116 alleles (0.0045%); highest among the groups gnomAD compares: African/African-American, 0.0081%; no homozygotes.

Submissions (2):

Blueprint Genetics
Classification: Likely benign. Last evaluated: 2023-04-20. Review status: criteria provided, single submitter. Criteria: ACMG Guidelines, 2015. Collection method: clinical testing. Allele origin: germline.

CeGaT Center for Human Genetics Tuebingen
Classification: Likely benign. Last evaluated: 2022-09-01. Review status: criteria provided, single submitter. Criteria: CeGaT Center For Human Genetics Tuebingen Variant Classification Criteria Version 2. Collection method: clinical testing. Allele origin: germline. Affected: yes. Observed: 1 variant allele.
Comment: ABCA2: BP4